The following is an entry in ClinVar:

ClinVar aggregate classification (germline): Uncertain significance (1 of 4 stars; one submission).

Conditions:
Capillary malformation-arteriovenous malformation syndrome. Also called: Capillary malformation-arteriovenous malformation. Identifiers: Orphanet 137667, MedGen C1842180, MONDO:0012016.

gnomAD v4.1: 5 of 1,612,044 alleles (0.00031%); highest among the groups gnomAD compares: African/African-American, 0.0053%; no homozygotes.

Submission:

Labcorp Genetics (formerly Invitae), Labcorp
Classification: Uncertain significance for Capillary malformation-arteriovenous malformation syndrome. Last evaluated: 2024-11-11. Review status: criteria provided, single submitter. Criteria: Invitae Variant Classification Sherloc (09022015). Collection method: clinical testing. Allele origin: germline.
Comment: This sequence change replaces leucine, which is neutral and non-polar, with valine, which is neutral and non-polar, at codon 86 of the RASA1 protein (p.Leu86Val). The frequency data for this variant in the population databases is considered unreliable, as metrics indicate poor data quality at this position in the gnomAD database. This variant has not been reported in the literature in individuals affected with RASA1-related conditions. An algorithm developed to predict the effect of missense changes on protein structure and function (PolyPhen-2) suggests that this variant is likely to be tolerated. In summary, the available evidence is currently insufficient to determine the role of this variant in disease. Therefore, it has been classified as a Variant of Uncertain Significance.

NM_002890.3(RASA1):c.256C>G (p.Leu86Val)

Gene: RASA1 (RAS p21 protein activator 1; plus strand). Cytogenetic location: 5q14.3.
Variant type: single nucleotide variant.
Coding change: c.256C>G on transcript NM_002890.3 (MANE Select); coding-DNA position 256, C replaced by G.
Protein change: p.Leu86Val; replaces leucine 86 with valine.
Molecular consequence: missense variant.
Genome position (GRCh38, 1-based): chr5:87,268,707, C>G. VCF-style: chr5-87268707-C-G. GRCh37 (hg19) VCF-style: chr5-86564524-C-G.
Other names: short protein forms L86V.
Identifiers: ClinVar variation 3663604 (VCV003663604.2).